The following is an entry in ClinVar:

ClinVar aggregate classification (germline): Uncertain significance. Review status: criteria provided, multiple submitters, no conflicts (2 of 4 stars). 5 submissions from 5 submitters: Uncertain significance (4). 1 of the submissions does not count toward it. Last evaluated 2025-04-18.

Conditions:
Usher syndrome type 1B (USH1B). Also called: Usher syndrome type IB. Identifiers: MedGen C1848638, MONDO:0700087.
Inborn genetic diseases. Identifiers: MedGen C0950123, MeSH D030342.

Allele frequency attached by ClinVar (database versions not stated): gnomAD 0.00001; TOPMed 0.00001; gnomAD exomes 0.00003; ExAC 0.00004.
gnomAD v4.1: 48 of 1,604,890 alleles (0.003%); highest among the groups gnomAD compares: Non-Finnish European, 0.0038%; no homozygotes.

Submissions (5):

Ambry Genetics
Classification: Uncertain significance for Inborn genetic diseases. Last evaluated: 2025-04-18. Review status: criteria provided, single submitter. Criteria: Ambry Variant Classification Scheme 2023. Collection method: clinical testing. Allele origin: germline.

Labcorp Genetics (formerly Invitae), Labcorp
Classification: Uncertain significance. Last evaluated: 2024-10-30. Review status: criteria provided, single submitter. Criteria: Invitae Variant Classification Sherloc (09022015). Collection method: clinical testing. Allele origin: germline.
Comment: This sequence change replaces alanine, which is neutral and non-polar, with valine, which is neutral and non-polar, at codon 1551 of the MYO7A protein (p.Ala1551Val). This variant is present in population databases (rs756854177, gnomAD 0.005%). This variant has not been reported in the literature in individuals affected with MYO7A-related conditions. ClinVar contains an entry for this variant (Variation ID: 1120132). Invitae Evidence Modeling of protein sequence and biophysical properties (such as structural, functional, and spatial information, amino acid conservation, physicochemical variation, residue mobility, and thermodynamic stability) indicates that this missense variant is not expected to disrupt MYO7A protein function with a negative predictive value of 95%. In summary, the available evidence is currently insufficient to determine the role of this variant in disease. Therefore, it has been classified as a Variant of Uncertain Significance.

Blueprint Genetics
Classification: Uncertain significance. Last evaluated: 2024-03-06. Review status: criteria provided, single submitter. Criteria: ACMG Guidelines, 2015. Collection method: clinical testing. Allele origin: germline.

Laboratory for Molecular Medicine, Mass General Brigham Personalized Medicine
Classification: Uncertain significance. Last evaluated: 2020-05-07. Review status: criteria provided, single submitter. Criteria: LMM Criteria. Collection method: clinical testing. Allele origin: germline. Observed: 1 variant allele.
Comment: The p.Ala1551Val variant in MYO7A has not been previously reported in individuals with hearing loss or Usher syndrome, but has been identified in 0.007% (1/13294) of African chromosomes by gnomAD. Computational prediction tools and conservation analysis suggest that this variant may not impact the protein, though this information is not predictive enough to rule out pathogenicity. In summary, the clinical significance of this variant is uncertain. ACMG/AMP Criteria applied: PM2, BP4.

Natera, Inc.
Classification: Uncertain significance for Usher syndrome type 1B. Last evaluated: 2020-11-16. Review status: no assertion criteria provided. Collection method: clinical testing. Allele origin: germline. Not counted in ClinVar's aggregate classification.

NM_000260.4(MYO7A):c.4652C>T (p.Ala1551Val)

Gene: MYO7A (myosin VIIA; plus strand). Cytogenetic location: 11q13.5.
Variant type: single nucleotide variant.
Coding change: c.4652C>T on transcript NM_000260.4 (MANE Select); coding-DNA position 4652, C replaced by T.
Protein change: p.Ala1551Val; replaces alanine 1551 with valine.
Molecular consequence: missense variant. On other transcripts: intron variant (2).
Genome position (GRCh38, 1-based): chr11:77,199,618, C>T. VCF-style: chr11-77199618-C-T. GRCh37 (hg19) VCF-style: chr11-76910663-C-T.
Other names: c.4569-31C>T (NM_001127180.2); c.4536-31C>T (NM_001369365.1); c.4652C>T (NM_000260.3); short protein forms A1551V.
Identifiers: ClinVar variation 1120132 (VCV001120132.11), dbSNP rs756854177, ClinGen allele CA6198511.
Genomic context (GRCh38, chr11:77,199,618, plus strand): 5'-TGGGCTGCTCTGATCTTGGCTGTGCTGCGCCTCACTCAGGCTGGGCAGGACTGACCCCGG[C>T]GGGGCCCTGTTCTCCGTGTTGGTCCTGCAGGGGAGCGAAAACGACGGCCCCCAGCTTCAC-3'
Protein context (NP_000251.3, residues 1541-1561): PHSGWAGLTP[Ala1551Val]GPCSPCWSCR